The following is an entry in ClinVar:

ClinVar aggregate classification (germline): Uncertain significance (1 of 4 stars; one submission).

Submission:

Labcorp Genetics (formerly Invitae), Labcorp
Classification: Uncertain significance. Last evaluated: 2024-12-21. Review status: criteria provided, single submitter. Criteria: Invitae Variant Classification Sherloc (09022015). Collection method: clinical testing. Allele origin: germline.
Comment: This sequence change falls in intron 11 of the ENPP1 gene. It does not directly change the encoded amino acid sequence of the ENPP1 protein. This variant is not present in population databases (gnomAD no frequency). This variant has not been reported in the literature in individuals affected with ENPP1-related conditions. Algorithms developed to predict the effect of sequence changes on RNA splicing suggest that this variant may disrupt the consensus splice site. In summary, the available evidence is currently insufficient to determine the role of this variant in disease. Therefore, it has been classified as a Variant of Uncertain Significance.

NM_006208.3(ENPP1):c.1165-16T>A

Gene: ENPP1 (ectonucleotide pyrophosphatase/phosphodiesterase 1; plus strand). Cytogenetic location: 6q23.2.
Variant type: single nucleotide variant.
Coding change: c.1165-16T>A on transcript NM_006208.3 (MANE Select); 16 bases into the intron before coding-DNA position 1165, T replaced by A.
Molecular consequence: intron variant.
Genome position (GRCh38, 1-based): chr6:131,868,002, T>A. VCF-style: chr6-131868002-T-A. GRCh37 (hg19) VCF-style: chr6-132189142-T-A.
Identifiers: ClinVar variation 3676529 (VCV003676529.2).